The following is an entry in ClinVar:

NM_017757.3(ZNF407):c.6282C>T (p.Ala2094=)

Gene: ZNF407 (zinc finger protein 407; plus strand). Cytogenetic location: 18q22.3.
Variant type: single nucleotide variant.
Coding change: c.6282C>T on transcript NM_017757.3 (MANE Select); coding-DNA position 6282, C replaced by T.
Protein change: p.Ala2094=; no amino-acid change (alanine 2094 retained).
Molecular consequence: synonymous variant.
Genome position (GRCh38, 1-based): chr18:75,064,003, C>T. VCF-style: chr18-75064003-C-T. GRCh37 (hg19) VCF-style: chr18-72775959-C-T.
Other names: c.6282C>T, p.Ala2094= (NM_001384475.1).
Identifiers: ClinVar variation 3035820 (VCV003035820.2), dbSNP rs370954987, ClinGen allele CA9001343.

ClinVar aggregate classification (germline): Likely benign (0 of 4 stars; one submission).

Conditions:
ZNF407-related disorder. Also called: ZNF407-related condition.

Allele frequency attached by ClinVar (database versions not stated): gnomAD 0.00010; gnomAD exomes 0.00010; TOPMed 0.00019; 1000 Genomes Project 30x 0.00031; ExAC 0.00037; 1000 Genomes Project 0.00040.
gnomAD v4.1: 153 of 1,610,294 alleles (0.0095%); highest among the groups gnomAD compares: East Asian, 0.28%; no homozygotes.

Submission:

PreventionGenetics, part of Exact Sciences
Classification: Likely benign for ZNF407-related condition. Last evaluated: 2019-08-09. Review status: no assertion criteria provided. Collection method: clinical testing. Allele origin: germline.
Comment: This variant is classified as likely benign based on ACMG/AMP sequence variant interpretation guidelines (Richards et al. 2015 PMID: 25741868, with internal and published modifications).